The following is an entry in ClinVar:

NM_024757.5(EHMT1):c.2594A>C (p.Asp865Ala)

Gene: EHMT1 (euchromatic histone lysine methyltransferase 1; plus strand). Cytogenetic location: 9q34.3.
Variant type: single nucleotide variant.
Coding change: c.2594A>C on transcript NM_024757.5 (MANE Select); coding-DNA position 2594, A replaced by C.
Protein change: p.Asp865Ala; replaces aspartic acid 865 with alanine.
Molecular consequence: missense variant.
Genome position (GRCh38, 1-based): chr9:137,798,901, A>C. VCF-style: chr9-137798901-A-C. GRCh37 (hg19) VCF-style: chr9-140693353-A-C.
Other names: c.2573A>C, p.Asp858Ala (NM_001354263.2); short protein forms D858A, D865A.
Identifiers: ClinVar variation 2446143 (VCV002446143.1), dbSNP rs756644731, ClinGen allele CA5374992.

ClinVar aggregate classification (germline): Uncertain significance (1 of 4 stars; one submission).

Allele frequency attached by ClinVar (database versions not stated): TOPMed below 0.00001; gnomAD 0.00001; gnomAD exomes 0.00001; ExAC 0.00002.
gnomAD v4.1: 10 of 1,613,108 alleles (0.00062%); highest among the groups gnomAD compares: Non-Finnish European, 0.00076%; no homozygotes.

Submission:

GeneDx
Classification: Uncertain significance. Last evaluated: 2022-09-21. Review status: criteria provided, single submitter. Criteria: GeneDx Variant Classification Process June 2021. Collection method: clinical testing. Allele origin: germline. Affected: yes.
Comment: Not observed at significant frequency in large population cohorts (gnomAD); In silico analysis supports that this missense variant has a deleterious effect on protein structure/function; Has not been previously published as pathogenic or benign to our knowledge